The following is an entry in ClinVar:

ClinVar aggregate classification (germline): Uncertain significance (1 of 4 stars; one submission).

Allele frequency attached by ClinVar (database versions not stated): gnomAD exomes below 0.00001.
gnomAD v4.1: 2 of 1,614,188 alleles (0.00012%); highest among the groups gnomAD compares: Non-Finnish European, 0.00017%; no homozygotes.

Submission:

Labcorp Genetics (formerly Invitae), Labcorp
Classification: Uncertain significance. Last evaluated: 2022-08-05. Review status: criteria provided, single submitter. Criteria: Invitae Variant Classification Sherloc (09022015). Collection method: clinical testing. Allele origin: germline.
Comment: In summary, the available evidence is currently insufficient to determine the role of this variant in disease. Therefore, it has been classified as a Variant of Uncertain Significance. Algorithms developed to predict the effect of missense changes on protein structure and function output the following: SIFT: "Tolerated"; PolyPhen-2: "Benign"; Align-GVGD: "Class C0". The arginine amino acid residue is found in multiple mammalian species, which suggests that this missense change does not adversely affect protein function. This variant has not been reported in the literature in individuals affected with ERCC6-related conditions. This variant is not present in population databases (gnomAD no frequency). This sequence change replaces glutamine, which is neutral and polar, with arginine, which is basic and polar, at codon 1232 of the ERCC6 protein (p.Gln1232Arg).

NM_000124.4(ERCC6):c.3695A>G (p.Gln1232Arg)

Gene: ERCC6 (ERCC excision repair 6, chromatin remodeling factor; minus strand). Cytogenetic location: 10q11.23.
Variant type: single nucleotide variant.
Coding change: c.3695A>G on transcript NM_000124.4 (MANE Select); coding-DNA position 3695, A replaced by G.
Protein change: p.Gln1232Arg; replaces glutamine 1232 with arginine.
Molecular consequence: missense variant.
Genome position (GRCh38, 1-based): chr10:49,470,265, T>C on the plus strand (A>G on the coding strand, the complement: ERCC6 is on the minus strand). VCF-style: chr10-49470265-T-C. GRCh37 (hg19) VCF-style: chr10-50678311-T-C.
Other names: c.3695A>G, p.Gln1232Arg (NM_001346440.2); short protein forms Q1232R.
Identifiers: ClinVar variation 1912910 (VCV001912910.3), dbSNP rs1850749279, ClinGen allele CA376712821.
Genomic context (GRCh38, chr10:49,470,265, plus strand): 5'-AAAACATAATCGTCATTGCTCTGTTCCTTGGCCTCACTCTTGTTTTCACTGTCTTGCTTC[T>C]GGTAACGCCTTTTCTTCACCAGGTGTGGAATTCGAGTTCCTTCAAACTTGGCGTCTCTGC-3'
Protein context (NP_000115.1, residues 1222-1242): IPHLVKKRRY[Gln1232Arg]KQDSENKSEA